The following is an entry in ClinVar:

ClinVar aggregate classification (germline): Uncertain significance (1 of 4 stars; one submission).

gnomAD v4.1: 12 of 1,614,138 alleles (0.00074%); highest among the groups gnomAD compares: Non-Finnish European, 0.001%; no homozygotes.

Submission:

Labcorp Genetics (formerly Invitae), Labcorp
Classification: Uncertain significance. Last evaluated: 2026-01-07. Review status: criteria provided, single submitter. Criteria: Invitae Variant Classification Sherloc (09022015). Collection method: clinical testing. Allele origin: germline.
Comment: This sequence change replaces lysine, which is basic and polar, with arginine, which is basic and polar, at codon 1584 of the FLNB protein (p.Lys1584Arg). This variant is present in population databases (rs750632471, gnomAD 0.002%). This variant has not been reported in the literature in individuals affected with FLNB-related conditions. Invitae Evidence Modeling of protein sequence and biophysical properties (such as structural, functional, and spatial information, amino acid conservation, physicochemical variation, residue mobility, and thermodynamic stability) indicates that this missense variant is not expected to disrupt FLNB protein function with a negative predictive value of 95%. In summary, the available evidence is currently insufficient to determine the role of this variant in disease. Therefore, it has been classified as a Variant of Uncertain Significance.

NM_001457.4(FLNB):c.4751A>G (p.Lys1584Arg)

Gene: FLNB (filamin B; plus strand). Cytogenetic location: 3p14.3.
Variant type: single nucleotide variant.
Coding change: c.4751A>G on transcript NM_001457.4 (MANE Select); coding-DNA position 4751, A replaced by G.
Protein change: p.Lys1584Arg; replaces lysine 1584 with arginine.
Molecular consequence: missense variant.
Genome position (GRCh38, 1-based): chr3:58,136,058, A>G. VCF-style: chr3-58136058-A-G. GRCh37 (hg19) VCF-style: chr3-58121785-A-G.
Other names: c.4844A>G, p.Lys1615Arg (NM_001164317.2); c.4751A>G, p.Lys1584Arg (NM_001164318.2, NM_001164319.2); short protein forms K1615R, K1584R.
Identifiers: ClinVar variation 4774650 (VCV004774650.1).